The following is an entry in ClinVar:

ClinVar aggregate classification (germline): Benign (1 of 4 stars; one submission).

Conditions:
Pitt-Hopkins-like syndrome 2 (PTHSL2). Identifiers: Orphanet 221150, Orphanet 600663, MedGen C3280479, MONDO:0013690, OMIM 614325.

Allele frequency attached by ClinVar (database versions not stated): gnomAD 0.01164 and 0.01263; 1000 Genomes Project 30x 0.01171; 1000 Genomes Project 0.01178; TOPMed 0.01331.

Submission:

Illumina Laboratory Services, Illumina
Classification: Benign for Pitt-Hopkins-like syndrome 2. Last evaluated: 2018-01-13. Review status: criteria provided, single submitter. Criteria: ICSL Variant Classification Criteria 13 December 2019. Collection method: clinical testing. Allele origin: germline.
Comment: This variant was observed in the ICSL laboratory as part of a predisposition screen in an ostensibly healthy population. It had not been previously curated by ICSL or reported in the Human Gene Mutation Database (HGMD: prior to June 1st, 2018), and was therefore a candidate for classification through an automated scoring system. Utilizing variant allele frequency, disease prevalence and penetrance estimates, and inheritance mode, an automated score was calculated to assess if this variant is too frequent to cause the disease. Based on the score and internal cut-off values, a variant classified as benign is not then subjected to further curation. The score for this variant resulted in a classification of benign for this disease.

NM_001330078.2(NRXN1):c.*1539C>G

Gene: NRXN1 (neurexin 1; minus strand). Cytogenetic location: 2p16.3.
Variant type: single nucleotide variant.
Coding change: c.*1539C>G on transcript NM_001330078.2 (MANE Select); 1539 bases downstream of the stop codon, C replaced by G.
Molecular consequence: 3 prime UTR variant.
Genome position (GRCh38, 1-based): chr2:49,920,405, G>C on the plus strand (C>G on the coding strand, the complement: NRXN1 is on the minus strand). VCF-style: chr2-49920405-G-C. GRCh37 (hg19) VCF-style: chr2-50147543-G-C.
Other names: c.*1539C>G (NM_138735.5, NM_001135659.3, NM_001320156.4 and 17 more transcripts).
Identifiers: ClinVar variation 899033 (VCV000899033.4), dbSNP rs112108943, ClinGen allele CA47800766.